The following is an entry in ClinVar:

ClinVar aggregate classification (germline): Likely pathogenic (1 of 4 stars; one submission).

Conditions:
Severe X-linked myotubular myopathy (CNMX). Also called: MYOTUBULAR MYOPATHY 1; X-linked centronuclear myopathy; Myotubular myopathy, X-linked. Identifiers: Orphanet 596, MedGen C0410203, MONDO:0010683, OMIM 310400.

Submission:

Labcorp Genetics (formerly Invitae), Labcorp
Classification: Likely pathogenic for Severe X-linked myotubular myopathy. Last evaluated: 2022-08-23. Review status: criteria provided, single submitter. Criteria: Invitae Variant Classification Sherloc (09022015). Collection method: clinical testing. Allele origin: germline.
Comment: Algorithms developed to predict the effect of sequence changes on RNA splicing suggest that this variant may disrupt the consensus splice site. In summary, the currently available evidence indicates that the variant is pathogenic, but additional data are needed to prove that conclusively. Therefore, this variant has been classified as Likely Pathogenic. ClinVar contains an entry for this variant (Variation ID: 1068069). This variant has not been reported in the literature in individuals affected with MTM1-related conditions. This variant is not present in population databases (gnomAD no frequency). This sequence change affects an acceptor splice site in intron 11 of the MTM1 gene. It is expected to disrupt RNA splicing. Variants that disrupt the donor or acceptor splice site typically lead to a loss of protein function (PMID: 16199547), and loss-of-function variants in MTM1 are known to be pathogenic (PMID: 9305655, 10063835).

Literature cited by the submitters: PubMed 16199547; PubMed 9305655; PubMed 10063835.

NM_000252.3(MTM1):c.1261-2A>C

Gene: MTM1 (myotubularin 1; plus strand). Cytogenetic location: Xq28.
Variant type: single nucleotide variant.
Coding change: c.1261-2A>C on transcript NM_000252.3 (MANE Select); the canonical splice acceptor site of the intron before coding-DNA position 1261, A replaced by C.
Molecular consequence: splice acceptor variant.
Genome position (GRCh38, 1-based): chrX:150,659,662, A>C. VCF-style: chrX-150659662-A-C. GRCh37 (hg19) VCF-style: chrX-149828135-A-C.
Other names: c.1261-2A>C (NM_001376908.1, NM_001376906.1); c.1150-2A>C (NM_001376907.1).
Identifiers: ClinVar variation 1068069 (VCV001068069.7), dbSNP rs2148510791, ClinGen allele CA415259084.